The following is an entry in ClinVar:

ClinVar aggregate classification (germline): Uncertain significance (1 of 4 stars; one submission).

Conditions:
Chédiak-Higashi syndrome (CHS). Also called: Chediak-Higashi Syndrome. Identifiers: Orphanet 167, MedGen C0007965, MONDO:0008963, OMIM 214500.

Submission:

Labcorp Genetics (formerly Invitae), Labcorp
Classification: Uncertain significance for Chédiak-Higashi syndrome. Last evaluated: 2024-02-17. Review status: criteria provided, single submitter. Criteria: Invitae Variant Classification Sherloc (09022015). Collection method: clinical testing. Allele origin: germline.
Comment: This sequence change replaces aspartic acid, which is acidic and polar, with glutamic acid, which is acidic and polar, at codon 2189 of the LYST protein (p.Asp2189Glu). This variant is not present in population databases (gnomAD no frequency). This variant has not been reported in the literature in individuals affected with LYST-related conditions. ClinVar contains an entry for this variant (Variation ID: 1463737). Advanced modeling of protein sequence and biophysical properties (such as structural, functional, and spatial information, amino acid conservation, physicochemical variation, residue mobility, and thermodynamic stability) performed at Invitae indicates that this missense variant is not expected to disrupt LYST protein function with a negative predictive value of 80%. In summary, the available evidence is currently insufficient to determine the role of this variant in disease. Therefore, it has been classified as a Variant of Uncertain Significance.

NM_000081.4(LYST):c.6567T>G (p.Asp2189Glu)

Gene: LYST (lysosomal trafficking regulator; minus strand). Cytogenetic location: 1q42.3.
Variant type: single nucleotide variant.
Coding change: c.6567T>G on transcript NM_000081.4 (MANE Select); coding-DNA position 6567, T replaced by G.
Protein change: p.Asp2189Glu; replaces aspartic acid 2189 with glutamic acid.
Molecular consequence: missense variant.
Genome position (GRCh38, 1-based): chr1:235,759,286, A>C on the plus strand (T>G on the coding strand, the complement: LYST is on the minus strand). VCF-style: chr1-235759286-A-C. GRCh37 (hg19) VCF-style: chr1-235922586-A-C.
Other names: c.6567T>G, p.Asp2189Glu (NM_001301365.1); short protein forms D2189E.
Identifiers: ClinVar variation 1463737 (VCV001463737.7), dbSNP rs2527808326, ClinGen allele CA344940879.